The following is an entry in ClinVar:

ClinVar aggregate classification (germline): Pathogenic/Likely pathogenic. Review status: criteria provided, multiple submitters, no conflicts (2 of 4 stars). 6 submissions from 6 submitters: Pathogenic (4); Likely pathogenic (1). 1 of the submissions does not count toward it. Last evaluated 2026-01-07.

Conditions:
CNGA3-related disorders.
Achromatopsia 2 (ACHM2). Also called: COLORBLINDNESS, TOTAL; ROD MONOCHROMACY 2; ROD MONOCHROMATISM 2. Identifiers: Orphanet 49382, MedGen C1857618, MONDO:0009003, OMIM 216900.
Achromatopsia. Also called: Rod monochromatism. Identifiers: Orphanet 49382, MedGen C0152200, MONDO:0018852, HP:0011516.
Retinal dystrophy. Also called: Inherited retinal dystrophy. Identifiers: Orphanet 71862, MedGen C0854723, MeSH D058499, MONDO:0019118, HP:0000556.

Allele frequency attached by ClinVar (database versions not stated): ExAC 0.00001; gnomAD 0.00001; TOPMed 0.00001; gnomAD exomes 0.00002.
gnomAD v4.1: 16 of 1,613,734 alleles (0.00099%); highest among the groups gnomAD compares: East Asian, 0.0045%; no homozygotes.

Submissions (6):

Women's Health and Genetics/Laboratory Corporation of America, LabCorp
Classification: Pathogenic for Achromatopsia 2. Last evaluated: 2026-01-07. Review status: criteria provided, single submitter. Criteria: LabCorp Variant Classification Summary - May 2015. Collection method: clinical testing. Allele origin: germline.
Comment: Variant summary: CNGA3 c.488C>T (p.Pro163Leu) results in a non-conservative amino acid change in the encoded protein sequence. Algorithms developed to predict the effect of missense changes on protein structure and function all suggest that this variant is likely to be disruptive. The variant allele was found at a frequency of 1.6e-05 in 251488 control chromosomes. c.488C>T has been observed in the compound heterozygous and homozygous states in multiple individual(s) affected with Achromatopsia 2 (example, Varsnyi_2005, Wissinger_2001) including at least 1 family where it segregated with disease. These data indicate that the variant is likely to be associated with disease. At least one publication reports experimental evidence evaluating an impact on protein function in vitro, demonstrating that CNGA3 protein expressing this variant lacked channel activity (example, Muraki-Oda_2007). The most pronounced variant effect results in <10% of normal activity. The following publications have been ascertained in the context of this evaluation (PMID: 9662398, 12876837, 34426522, 31589614, 12087135, 39462066, 39287548, 36284460, 32368696, 28282490, 23105016, 16319819, 32913385, 12187427, 17693388, 26407004, 11536077, 16961972, 31964843, 38841332, 23362848, 28991257). ClinVar contains an entry for this variant (Variation ID: 9473). Based on the evidence outlined above, the variant was classified as pathogenic.

Lab De Baere, Eye and Developmental Genetics Lab, Ghent University
Classification: Pathogenic for Achromatopsia. Last evaluated: 2024-10-01. Review status: criteria provided, single submitter. Criteria: ACMG Guidelines, 2015. Collection method: research. Allele origin: inherited. Affected: yes. Observed: 1 variant allele.
Comment: ACMG/AMP guidelines: PM2, PP5, PP3, PM1, PP1_PM, PM3_PS

Palindrome, Gene Kavoshgaran Aria
Classification: Pathogenic for Achromatopsia 2. Last evaluated: 2024-02-29. Review status: criteria provided, single submitter. Criteria: ACMG Guidelines, 2015. Collection method: clinical testing. Allele origin: germline. Inheritance: Autosomal recessive inheritance. Affected: yes. Observed: 1 homozygote.

Blueprint Genetics
Classification: Pathogenic for CNGA3-related disorders. Last evaluated: 2023-05-26. Review status: criteria provided, single submitter. Criteria: ACMG Guidelines, 2015. Collection method: clinical testing. Allele origin: germline. Affected: yes. Observed: 5 variant alleles.

Institute of Human Genetics, Univ. Regensburg, Univ. Regensburg
Classification: Likely pathogenic for Retinal dystrophy. Last evaluated: 2020-01-01. Review status: criteria provided, single submitter. Criteria: ACMG Guidelines, 2015. Collection method: clinical testing. Allele origin: germline. Affected: yes.

OMIM
Classification: Pathogenic for ACHROMATOPSIA 2. Last evaluated: 1998-07-01. Review status: no assertion criteria provided. Collection method: literature only. Allele origin: germline. Not counted in ClinVar's aggregate classification.

Literature cited by the submitters: PubMed 28991257 (cited by Women's Health and Genetics/Laboratory Corporation of America, LabCorp and Institute of Human Genetics, Univ. Regensburg, Univ. Regensburg); PubMed 23105016 (cited by Women's Health and Genetics/Laboratory Corporation of America, LabCorp and Institute of Human Genetics, Univ. Regensburg, Univ. Regensburg); PubMed 31589614 (cited by Women's Health and Genetics/Laboratory Corporation of America, LabCorp and Institute of Human Genetics, Univ. Regensburg, Univ. Regensburg); PubMed 34426522 (cited by Women's Health and Genetics/Laboratory Corporation of America, LabCorp and Institute of Human Genetics, Univ. Regensburg, Univ. Regensburg); PubMed 17693388 (cited by Women's Health and Genetics/Laboratory Corporation of America, LabCorp and Institute of Human Genetics, Univ. Regensburg, Univ. Regensburg); PubMed 11536077 (cited by Women's Health and Genetics/Laboratory Corporation of America, LabCorp); PubMed 32368696 (cited by Women's Health and Genetics/Laboratory Corporation of America, LabCorp and Institute of Human Genetics, Univ. Regensburg, Univ. Regensburg); PubMed 31964843 (cited by Women's Health and Genetics/Laboratory Corporation of America, LabCorp and Institute of Human Genetics, Univ. Regensburg, Univ. Regensburg); PubMed 32913385 (cited by Women's Health and Genetics/Laboratory Corporation of America, LabCorp); PubMed 36284460 (cited by Women's Health and Genetics/Laboratory Corporation of America, LabCorp and Institute of Human Genetics, Univ. Regensburg, Univ. Regensburg); PubMed 39462066 (cited by Women's Health and Genetics/Laboratory Corporation of America, LabCorp); PubMed 23362848 (cited by Women's Health and Genetics/Laboratory Corporation of America, LabCorp); PubMed 12187427 (cited by Women's Health and Genetics/Laboratory Corporation of America, LabCorp); PubMed 28282490 (cited by Women's Health and Genetics/Laboratory Corporation of America, LabCorp); PubMed 12087135 (cited by Women's Health and Genetics/Laboratory Corporation of America, LabCorp); PubMed 12876837 (cited by Women's Health and Genetics/Laboratory Corporation of America, LabCorp); PubMed 26407004 (cited by Women's Health and Genetics/Laboratory Corporation of America, LabCorp); PubMed 9662398 (cited by 3 submitters); PubMed 39287548 (cited by Women's Health and Genetics/Laboratory Corporation of America, LabCorp); PubMed 38841332 (cited by Women's Health and Genetics/Laboratory Corporation of America, LabCorp); PubMed 16961972 (cited by Women's Health and Genetics/Laboratory Corporation of America, LabCorp); PubMed 16319819 (cited by Women's Health and Genetics/Laboratory Corporation of America, LabCorp).

NM_001298.3(CNGA3):c.488C>T (p.Pro163Leu)

Gene: CNGA3 (cyclic nucleotide gated channel subunit alpha 3; plus strand). Cytogenetic location: 2q11.2.
Variant type: single nucleotide variant.
Coding change: c.488C>T on transcript NM_001298.3 (MANE Select); coding-DNA position 488, C replaced by T.
Protein change: p.Pro163Leu; replaces proline 163 with leucine.
Molecular consequence: missense variant.
Genome position (GRCh38, 1-based): chr2:98,389,696, C>T. VCF-style: chr2-98389696-C-T. GRCh37 (hg19) VCF-style: chr2-99006159-C-T.
Other names: c.434C>T, p.Pro145Leu (NM_001079878.2); short protein forms P163L, P145L.
Identifiers: ClinVar variation 9473 (VCV000009473.6), dbSNP rs104893612, ClinGen allele CA254819.